The following is an entry in ClinVar:

ClinVar aggregate classification (germline): Uncertain significance (1 of 4 stars; one submission).

Conditions:
Inborn genetic diseases. Identifiers: MedGen C0950123, MeSH D030342.

Allele frequency attached by ClinVar (database versions not stated): gnomAD exomes below 0.00001.
gnomAD v4.1: 4 of 1,608,874 alleles (0.00025%); highest among the groups gnomAD compares: Non-Finnish European, 0.00034%; no homozygotes.

Submission:

Ambry Genetics
Classification: Uncertain significance for Inborn genetic diseases. Last evaluated: 2022-02-12. Review status: criteria provided, single submitter. Criteria: Ambry Variant Classification Scheme 2023. Collection method: clinical testing. Allele origin: germline.
Comment: The p.Q279K variant (also known as c.835C>A), located in coding exon 10 of the ERCC2 gene, results from a C to A substitution at nucleotide position 835. The glutamine at codon 279 is replaced by lysine, an amino acid with similar properties. This amino acid position is conserved. In addition, this alteration is predicted to be tolerated by in silico analysis. Since supporting evidence is limited at this time, the clinical significance of this alteration remains unclear.

NM_000400.4(ERCC2):c.835C>A (p.Gln279Lys)

Gene: ERCC2 (ERCC excision repair 2, TFIIH core complex helicase subunit; minus strand). Cytogenetic location: 19q13.32.
Variant type: single nucleotide variant.
Coding change: c.835C>A on transcript NM_000400.4 (MANE Select); coding-DNA position 835, C replaced by A.
Protein change: p.Gln279Lys; replaces glutamine 279 with lysine.
Molecular consequence: missense variant.
Genome position (GRCh38, 1-based): chr19:45,364,100, G>T on the plus strand (C>A on the coding strand, the complement: ERCC2 is on the minus strand). VCF-style: chr19-45364100-G-T. GRCh37 (hg19) VCF-style: chr19-45867358-G-T.
Other names: c.763C>A, p.Gln255Lys (NM_001130867.2); short protein forms Q255K, Q279K.
Identifiers: ClinVar variation 1763071 (VCV001763071.2), dbSNP rs2514030207, ClinGen allele CA406373786.